The following is an entry in ClinVar:

ClinVar aggregate classification (germline): Likely benign (1 of 4 stars; one submission).

Allele frequency attached by ClinVar (database versions not stated): gnomAD exomes 0.00001; TOPMed 0.00002; ESP Exome Variant Server 0.00015.

Submission:

GeneDx
Classification: Likely benign. Last evaluated: 2014-01-11. Review status: criteria provided, single submitter. Criteria: GeneDx Variant Classification (06012015). Collection method: clinical testing. Allele origin: germline. Affected: yes.
Comment: This variant is considered likely benign or benign based on one or more of the following criteria: it is a conservative change, it occurs at a poorly conserved position in the protein, it is predicted to be benign by multiple in silico algorithms, and/or has population frequency not consistent with disease.

NM_018838.5(NDUFA12):c.44C>G (p.Thr15Ser)

Gene: NDUFA12 (NADH:ubiquinone oxidoreductase subunit A12; minus strand). Cytogenetic location: 12q22.
Variant type: single nucleotide variant.
Coding change: c.44C>G on transcript NM_018838.5 (MANE Select); coding-DNA position 44, C replaced by G.
Protein change: p.Thr15Ser; replaces threonine 15 with serine.
Molecular consequence: missense variant.
Genome position (GRCh38, 1-based): chr12:95,003,637, G>C on the plus strand (C>G on the coding strand, the complement: NDUFA12 is on the minus strand). VCF-style: chr12-95003637-G-C. GRCh37 (hg19) VCF-style: chr12-95397413-G-C.
Other names: p.T15S:ACC>AGC; c.44C>G, p.Thr15Ser (NM_001258338.2); short protein forms T15S.
Identifiers: ClinVar variation 214695 (VCV000214695.1), dbSNP rs138865666, ClinGen allele CA321809.
Genomic context (GRCh38, chr12:95,003,637, plus strand): 5'-ATGGCTCTGGCCGCCTACCTGAAAAAAACCCGTAGATAGCCTCGGAGACCGCCGTGGCCG[G>C]TGATCTGCTGCAGCCCGCGTTTCAGGACCTGCACTAACTCCATCTTGCCTCGCTGGCCCC-3'
Protein context (NP_061326.1, residues 5-25): QVLKRGLQQI[Thr15Ser]GHGGLRGYLR